The following is an entry in ClinVar:

ClinVar aggregate classification (germline): Uncertain significance. Review status: criteria provided, multiple submitters, no conflicts (2 of 4 stars). 2 submissions from 2 submitters: Uncertain significance (2). Last evaluated 2025-12-01.

Conditions:
Hereditary cancer-predisposing syndrome. Also called: Neoplastic Syndromes, Hereditary; Tumor predisposition; Hereditary Cancer Syndrome; Hereditary neoplastic syndrome. Identifiers: Orphanet 140162, MedGen C0027672, MeSH D009386, MONDO:0015356.
Ataxia-telangiectasia syndrome (AT). Also called: ATAXIA-TELANGIECTASIA, COMPLEMENTATION GROUP A; ATAXIA-TELANGIECTASIA, FRESNO VARIANT; Ataxia-telangiectasia; Ataxia-telangiectasia, complementation group D; AT, COMPLEMENTATION GROUP C; Ataxia-telangiectasia, complementation group E. Identifiers: Orphanet 100, MedGen C0004135, MONDO:0008840, OMIM 208900.

Allele frequency attached by ClinVar (database versions not stated): gnomAD exomes below 0.00001; ExAC 0.00001.

Submissions (2):

Labcorp Genetics (formerly Invitae), Labcorp
Classification: Uncertain significance for Ataxia-telangiectasia syndrome. Last evaluated: 2025-12-01. Review status: criteria provided, single submitter. Criteria: Invitae Variant Classification Sherloc (09022015). Collection method: clinical testing. Allele origin: germline.
Comment: This sequence change replaces aspartic acid, which is acidic and polar, with valine, which is neutral and non-polar, at codon 1080 of the ATM protein (p.Asp1080Val). This variant is present in population databases (rs757617016, gnomAD 0.0009%). This variant has not been reported in the literature in individuals affected with ATM-related conditions. ClinVar contains an entry for this variant (Variation ID: 524319). Invitae Evidence Modeling of protein sequence and biophysical properties (such as structural, functional, and spatial information, amino acid conservation, physicochemical variation, residue mobility, and thermodynamic stability) indicates that this missense variant is expected to disrupt ATM protein function with a positive predictive value of 80%. In summary, the available evidence is currently insufficient to determine the role of this variant in disease. Therefore, it has been classified as a Variant of Uncertain Significance.

Ambry Genetics
Classification: Uncertain significance for Hereditary cancer-predisposing syndrome. Last evaluated: 2025-07-28. Review status: criteria provided, single submitter. Criteria: Ambry Variant Classification Scheme 2023. Collection method: clinical testing. Allele origin: germline.
Comment: The p.D1080V variant (also known as c.3239A>T), located in coding exon 21 of the ATM gene, results from an A to T substitution at nucleotide position 3239. The aspartic acid at codon 1080 is replaced by valine, an amino acid with highly dissimilar properties. This amino acid position is conserved. In addition, this alteration is predicted to be deleterious by in silico analysis. Based on the available evidence, the clinical significance of this variant remains unclear.

NM_000051.4(ATM):c.3239A>T (p.Asp1080Val)

Gene: ATM (ATM serine/threonine kinase; plus strand). Cytogenetic location: 11q22.3.
Variant type: single nucleotide variant.
Coding change: c.3239A>T on transcript NM_000051.4 (MANE Select); coding-DNA position 3239, A replaced by T.
Protein change: p.Asp1080Val; replaces aspartic acid 1080 with valine.
Molecular consequence: missense variant.
Genome position (GRCh38, 1-based): chr11:108,272,807, A>T. VCF-style: chr11-108272807-A-T. GRCh37 (hg19) VCF-style: chr11-108143534-A-T.
Other names: c.3239A>T, p.Asp1080Val (NM_001351834.2); short protein forms D1080V.
Identifiers: ClinVar variation 524319 (VCV000524319.9), dbSNP rs757617016, ClinGen allele CA6265230.
Genomic context (GRCh38, chr11:108,272,807, plus strand): 5'-TTCTTAATGTAATGGGAAAAGACTTTCCTGTAAATGAAGTATTTACACAATTTCTTGCTG[A>T]CAATCATCACCAAGTTCGCATGTTGGCTGCAGAGTCAATCAATAGGTAATGGGTCAAATA-3'
Protein context (NP_000042.3, residues 1070-1090): VNEVFTQFLA[Asp1080Val]NHHQVRMLAA